The following is an entry in ClinVar:

NM_001378328.1(CELSR1):c.9020A>C (p.Asp3007Ala)

Gene: CELSR1 (cadherin EGF LAG seven-pass G-type receptor 1; minus strand). Cytogenetic location: 22q13.31.
Variant type: single nucleotide variant.
Coding change: c.9020A>C on transcript NM_001378328.1 (MANE Select); coding-DNA position 9020, A replaced by C.
Protein change: p.Asp3007Ala; replaces aspartic acid 3007 with alanine.
Molecular consequence: missense variant.
Genome position (GRCh38, 1-based): chr22:46,364,011, T>G on the plus strand (A>C on the coding strand, the complement: CELSR1 is on the minus strand). VCF-style: chr22-46364011-T-G. GRCh37 (hg19) VCF-style: chr22-46759908-T-G.
Other names: c.9020A>C, p.Asp3007Ala (NM_014246.4); short protein forms D3007A.
Identifiers: ClinVar variation 2387957 (VCV002387957.4), dbSNP rs377390643, ClinGen allele CA10292549.

ClinVar aggregate classification (germline): Uncertain significance. Review status: criteria provided, multiple submitters, no conflicts (2 of 4 stars). 2 submissions from 2 submitters: Uncertain significance (2). Last evaluated 2025-11-17.

Conditions:
Lymphatic malformation 9. Identifiers: MedGen C5543365, MONDO:0030270, OMIM 619319.

Allele frequency attached by ClinVar (database versions not stated): gnomAD exomes 0.00001; ExAC 0.00004; gnomAD 0.00014; ESP Exome Variant Server 0.00015; TOPMed 0.00015.
gnomAD v4.1: 39 of 1,607,422 alleles (0.0024%); highest among the groups gnomAD compares: African/African-American, 0.047%; no homozygotes.

Submissions (2):

Clinical Genomics Laboratory, Washington University in St. Louis
Classification: Uncertain significance for Lymphatic malformation 9. Last evaluated: 2025-11-17. Review status: criteria provided, single submitter. Criteria: ACMG Guidelines, 2015. Collection method: clinical testing. Allele origin: germline.
Comment: A CELSR1 c.9020A>C (p.Asp3007Ala) variant was identified at a near heterozygous allelic fraction of 46.9%, a frequency which may be consistent with it being of germline origin. The CELSR1 c.9020A>C (p.Asp3007Ala) variant, to our knowledge, has not been reported in the medical literature but has been reported in the ClinVar database as a germline variant of uncertain significance by one submitter (ClinVar variation ID: 2387957). It is observed in 39/1,607,422 alleles in the general population (gnomAD v4.1.0). Computational predictors suggest that the variant does not impact CELSR1 function. Due to limited information, and based on ACMG/AMP guidelines for variant interpretation (Richards S et al., PMID: 25741868), the clinical significance of this variant is uncertain at this time.

Ambry Genetics
Classification: Uncertain significance. Last evaluated: 2025-04-14. Review status: criteria provided, single submitter. Criteria: Ambry Variant Classification Scheme 2023. Collection method: clinical testing. Allele origin: germline.